The following is an entry in ClinVar:

ClinVar aggregate classification (germline): Uncertain significance (1 of 4 stars; one submission).

Allele frequency attached by ClinVar (database versions not stated): gnomAD exomes 0.00001; gnomAD 0.00003; TOPMed 0.00003; ESP Exome Variant Server 0.00008.

Submission:

Labcorp Genetics (formerly Invitae), Labcorp
Classification: Uncertain significance. Last evaluated: 2024-07-12. Review status: criteria provided, single submitter. Criteria: Invitae Variant Classification Sherloc (09022015). Collection method: clinical testing. Allele origin: germline.
Comment: This sequence change replaces alanine, which is neutral and non-polar, with threonine, which is neutral and polar, at codon 266 of the OPN1SW protein (p.Ala266Thr). The frequency data for this variant in the population databases is considered unreliable, as metrics indicate poor data quality at this position in the gnomAD database. This variant has not been reported in the literature in individuals affected with OPN1SW-related conditions. ClinVar contains an entry for this variant (Variation ID: 1934480). An algorithm developed to predict the effect of missense changes on protein structure and function (PolyPhen-2) suggests that this variant is likely to be disruptive. In summary, the available evidence is currently insufficient to determine the role of this variant in disease. Therefore, it has been classified as a Variant of Uncertain Significance.

NM_001385125.1(OPN1SW):c.787G>A (p.Ala263Thr)

Gene: OPN1SW (opsin 1, short wave sensitive; minus strand). Cytogenetic location: 7q32.1.
Variant type: single nucleotide variant.
Coding change: c.787G>A on transcript NM_001385125.1 (MANE Select); coding-DNA position 787, G replaced by A.
Protein change: p.Ala263Thr; replaces alanine 263 with threonine.
Molecular consequence: missense variant.
Genome position (GRCh38, 1-based): chr7:128,773,780, C>T on the plus strand (G>A on the coding strand, the complement: OPN1SW is on the minus strand). VCF-style: chr7-128773780-C-T. GRCh37 (hg19) VCF-style: chr7-128413834-C-T.
Other names: short protein forms A263T.
Identifiers: ClinVar variation 1934480 (VCV001934480.5), dbSNP rs141167245, ClinGen allele CA166210938.